The following is an entry in ClinVar:

ClinVar aggregate classification (germline): Uncertain significance (1 of 4 stars; one submission).

Conditions:
KMT2D-related disorder. Also called: KMT2D-Related Disorders.

Submission:

PreventionGenetics, part of Exact Sciences
Classification: Uncertain significance for KMT2D-related condition. Last evaluated: 2025-11-30. Review status: criteria provided, single submitter. Criteria: ACMG Guidelines, 2015. Collection method: clinical testing. Allele origin: germline.
Comment: The KMT2D c.7070C>T variant is predicted to result in the amino acid substitution p.Ala2357Val. To our knowledge, this variant has not been reported in the literature or in a large population database (gnomAD), indicating this variant is rare. At this time, the clinical significance of this variant is uncertain due to the absence of conclusive functional and genetic evidence.

NM_003482.4(KMT2D):c.7070C>T (p.Ala2357Val)

Gene: KMT2D (lysine methyltransferase 2D; minus strand). Cytogenetic location: 12q13.12.
Variant type: single nucleotide variant.
Coding change: c.7070C>T on transcript NM_003482.4 (MANE Select); coding-DNA position 7070, C replaced by T.
Protein change: p.Ala2357Val; replaces alanine 2357 with valine.
Molecular consequence: missense variant.
Genome position (GRCh38, 1-based): chr12:49,040,700, G>A on the plus strand (C>T on the coding strand, the complement: KMT2D is on the minus strand). VCF-style: chr12-49040700-G-A. GRCh37 (hg19) VCF-style: chr12-49434483-G-A.
Other names: short protein forms A2357V.
Identifiers: ClinVar variation 4995304 (VCV004995304.1).
Genomic context (GRCh38, chr12:49,040,700, plus strand): 5'-GGGTCAGTGTAGGAGCCAGGGCGAAAGATGTCTGGGTGACTTGGAGGAGAAGGTGCCAAA[G>A]CCTGGGCAGGGGGTGGCTCCTGGGGCCTTAGGCCCAAGCCCGGGCTCTGGGGCTCTACCT-3'
Protein context (NP_003473.3, residues 2347-2367): LRPQEPPPAQ[Ala2357Val]LAPSPPSHPD